The following is an entry in ClinVar:

NM_001114753.3(ENG):c.582_584del (p.Glu195del)

Gene: ENG (endoglin; minus strand). Cytogenetic location: 9q34.11.
Variant type: Deletion.
Coding change: c.582_584del on transcript NM_001114753.3 (MANE Select); coding-DNA positions 582 to 584, 3 bases deleted (CGA; older notation c.582_584delCGA).
Protein change: p.Glu195del; deletes glutamic acid 195.
Molecular consequence: inframe deletion. On other transcripts: inframe indel (2).
Genome position (GRCh38, 1-based): chr9:127,825,800-127,825,802, TCG deleted on the plus strand (CGA on the coding strand, the reverse complement: ENG is on the minus strand). VCF-style (leftmost placement, unchanged base first): chr9-127825799-CTCG-C. GRCh37 (hg19) VCF-style: chr9-130588078-CTCG-C.
Other names: c.582_584delCGA, p.Glu195del (NM_000118.4, NM_001406715.1); c.36_38del, p.Glu13del (NM_001278138.2); short protein forms E13del, E195del.
Identifiers: ClinVar variation 1749887 (VCV001749887.2), dbSNP rs2539076149, ClinGen allele CA2580079689.

ClinVar aggregate classification (germline): Uncertain significance (1 of 4 stars; one submission).

Conditions:
Cardiovascular phenotype. Identifiers: MedGen CN230736.

Submission:

Ambry Genetics
Classification: Uncertain significance for Cardiovascular phenotype. Last evaluated: 2019-01-08. Review status: criteria provided, single submitter. Criteria: Ambry Variant Classification Scheme 2023. Collection method: clinical testing. Allele origin: germline.
Comment: The c.582_584delCGA variant (also known as p.E195del) is located in coding exon 5 of the ENG gene. This variant results from an in-frame CGA deletion at nucleotide positions 582 to 584. This results in the in-frame deletion of a glutamic acid at codon 195. This amino acid position is not well conserved in available vertebrate species. Since supporting evidence is limited at this time, the clinical significance of this alteration remains unclear.